The following continues an entry in ClinVar:

NM_000059.4(BRCA2):c.1166C>A (p.Pro389Gln)

Gene: BRCA2. ClinVar aggregate classification (germline): Benign. Benign (1).

Submissions 20 to 22 of 22:

Clinical Genetics Laboratory, Department of Pathology, Netherlands Cancer Institute
Classification: Likely benign. Review status: no assertion criteria provided. Collection method: clinical testing. Allele origin: germline. Affected: yes. Study: VKGL Data-share Consensus. Not counted in ClinVar's aggregate classification.

Department of Pathology and Laboratory Medicine, Sinai Health System
Classification: Benign for Malignant tumor of breast. Review status: no assertion criteria provided. Collection method: clinical testing. Allele origin: unknown. Affected: yes. Study: The Canadian Open Genetics Repository (COGR). Not counted in ClinVar's aggregate classification.
Comment: The BRCA2 p.Pro389Gln variant was identified in 3 of 674 proband chromosomes (frequency: 0.005) from individuals or families with breast or ovarian cancer and was not identified in 100 control chromosomes from healthy individuals (Caminsky 2016, Juwle 2012). The variant was also identified in dbSNP (ID: rs397507263) as "With other allele", ClinVar (classified as benign by Invitae and SCRP; as likely benign by six submitters; and as uncertain significance by one submitter), COGR, and UMD-LSDB (1x as unclassified variant). The variant was not identified in Cosmic, MutDB, LOVD 3.0, BIC Database, ARUP Laboratories, or the Zhejiang University database. The variant was identified in control databases in 103 of 245960 chromosomes (3 homozygous) at a frequency of 0.0004, increasing the likelihood this could be a low frequency benign variant (Genome Aggregation Database Feb 27, 2017). The variant was observed in the following populations: South Asian in 100 of 30696 chromosomes (freq: 0.003) and Other in 3 of 5476 chromosomes (freq: 0.0006), while the variant was not observed in the African, Latino, European, Ashkenazi Jewish, East Asian, or Finnish populations. The p.Pro389 residue is conserved in mammals but not in more distantly related organisms. However, four out of five computational analyses (PolyPhen-2, SIFT, AlignGVGD, BLOSUM, MutationTaster) do not suggest a high likelihood of impact to the protein; this information is not predictive enough to rule out pathogenicity. The variant occurs outside of the splicing consensus sequence and four out of five in silico or computational prediction software programs (SpliceSiteFinder, MaxEntScan, NNSPLICE, GeneSplicer) do not predict a difference in splicing. In summary, based on the above information, this variant meets our laboratory's criteria to be classified as benign.

Laboratory of Diagnostic Genome Analysis, Leiden University Medical Center (LUMC)
Classification: Likely benign. Review status: no assertion criteria provided. Collection method: clinical testing. Allele origin: germline. Affected: yes. Study: VKGL Data-share Consensus. Not counted in ClinVar's aggregate classification.

Literature cited by the submitters: PubMed 31131967 (cited by Evidence-based Network for the Interpretation of Germline Mutant Alleles (ENIGMA)); PubMed 22752604 (cited by 3 submitters); DOI 10.3389/fgene.2022.834265 (cited by National Health Laboratory Service, Universitas Academic Hospital and University of the Free State); PubMed 26898890 (cited by Women's Health and Genetics/Laboratory Corporation of America, LabCorp).